The following is an entry in ClinVar:

NM_000384.3(APOB):c.4547G>A (p.Gly1516Glu)

Gene: APOB (apolipoprotein B; minus strand). Cytogenetic location: 2p24.1.
Variant type: single nucleotide variant.
Coding change: c.4547G>A on transcript NM_000384.3 (MANE Select); coding-DNA position 4547, G replaced by A.
Protein change: p.Gly1516Glu; replaces glycine 1516 with glutamic acid.
Molecular consequence: missense variant.
Genome position (GRCh38, 1-based): chr2:21,012,321, C>T on the plus strand (G>A on the coding strand, the complement: APOB is on the minus strand). VCF-style: chr2-21012321-C-T. GRCh37 (hg19) VCF-style: chr2-21235193-C-T.
Other names: short protein forms G1516E.
Identifiers: ClinVar variation 3415164 (VCV003415164.1).

ClinVar aggregate classification (germline): Uncertain significance (1 of 4 stars; one submission).

Conditions:
Cardiovascular phenotype. Identifiers: MedGen CN230736.

gnomAD v4.1: 5 of 1,613,996 alleles (0.00031%); highest among the groups gnomAD compares: East Asian, 0.0022%; no homozygotes.

Submission:

Ambry Genetics
Classification: Uncertain significance for Cardiovascular phenotype. Last evaluated: 2024-08-07. Review status: criteria provided, single submitter. Criteria: Ambry Variant Classification Scheme 2023. Collection method: clinical testing. Allele origin: germline.
Comment: The p.G1516E variant (also known as c.4547G>A), located in coding exon 26 of the APOB gene, results from a G to A substitution at nucleotide position 4547. The glycine at codon 1516 is replaced by glutamic acid, an amino acid with similar properties. This amino acid position is conserved. In addition, this alteration is predicted to be tolerated by in silico analysis. Based on the available evidence, the clinical significance of this variant remains unclear.